The following is an entry in ClinVar:

ClinVar aggregate classification (germline): Uncertain significance. Review status: criteria provided, multiple submitters, no conflicts (2 of 4 stars). 5 submissions from 5 submitters: Uncertain significance (5). Last evaluated 2025-08-13.

Conditions:
Epidermolysis bullosa simplex 5B, with muscular dystrophy (EBS5B). Also called: EPIDERMOLYSIS BULLOSA SIMPLEX AND LIMB-GIRDLE MUSCULAR DYSTROPHY; Epidermolysis bullosa simplex with muscular dystrophy. Identifiers: Orphanet 257, MedGen C2931072, MONDO:0009181, OMIM 226670.
Epidermolysis bullosa simplex, Ogna type (EBS5A). Also called: Pidermolysis bullosa simplex 5A, Ogna type; EPIDERMOLYSIS BULLOSA SIMPLEX 5A, OGNA TYPE. Identifiers: Orphanet 79401, MedGen C0432317, MONDO:0007555, OMIM 131950.
Autosomal recessive limb-girdle muscular dystrophy type 2Q (LGMDR17). Also called: MUSCULAR DYSTROPHY, LIMB-GIRDLE, AUTOSOMAL RECESSIVE 17. Identifiers: Orphanet 254361, MedGen C3150989, MONDO:0013390, OMIM 613723.
Epidermolysis bullosa simplex 5C, with pyloric atresia (EBS5C). Also called: PLEC-Related Epidermolysis Bullosa with Pyloric Atresia; Epidermolysis bullosa simplex with pyloric atresia; PLEC1-Related Epidermolysis Bullosa with Pyloric Atresia. Identifiers: Orphanet 158684, MedGen C2677349, MONDO:0012807, OMIM 612138.
Epidermolysis bullosa simplex with nail dystrophy (EBS5D). Identifiers: MedGen C4225309, MONDO:0014661, OMIM 616487.
Inborn genetic diseases. Identifiers: MedGen C0950123, MeSH D030342.

Allele frequency attached by ClinVar (database versions not stated): gnomAD exomes 0.00003 and 0.00004; gnomAD 0.00005 and 0.00006; ExAC 0.00007; TOPMed 0.00008; ESP Exome Variant Server 0.00016; 1000 Genomes Project 0.00040; 1000 Genomes Project 30x 0.00047.
gnomAD v4.1: 55 of 1,607,902 alleles (0.0034%); highest among the groups gnomAD compares: African/African-American, 0.025%; no homozygotes.

Submissions (5):

Ambry Genetics
Classification: Uncertain significance for Inborn genetic diseases. Last evaluated: 2025-08-13. Review status: criteria provided, single submitter. Criteria: Ambry Variant Classification Scheme 2023. Collection method: clinical testing. Allele origin: germline.

Labcorp Genetics (formerly Invitae), Labcorp
Classification: Uncertain significance for Autosomal recessive limb-girdle muscular dystrophy type 2Q; Epidermolysis bullosa simplex, Ogna type; Epidermolysis bullosa simplex with nail dystrophy; Epidermolysis bullosa simplex 5C, with pyloric atresia; Epidermolysis bullosa simplex 5B, with muscular dystrophy. Last evaluated: 2025-02-10. Review status: criteria provided, single submitter. Criteria: Invitae Variant Classification Sherloc (09022015). Collection method: clinical testing. Allele origin: germline.
Comment: This sequence change replaces arginine, which is basic and polar, with histidine, which is basic and polar, at codon 3032 of the PLEC protein (p.Arg3032His). This variant is present in population databases (rs369581930, gnomAD 0.03%). This variant has not been reported in the literature in individuals affected with PLEC-related conditions. ClinVar contains an entry for this variant (Variation ID: 436329). Invitae Evidence Modeling of protein sequence and biophysical properties (such as structural, functional, and spatial information, amino acid conservation, physicochemical variation, residue mobility, and thermodynamic stability) indicates that this missense variant is not expected to disrupt PLEC protein function with a negative predictive value of 80%. In summary, the available evidence is currently insufficient to determine the role of this variant in disease. Therefore, it has been classified as a Variant of Uncertain Significance.

Revvity Omics, Revvity
Classification: Uncertain significance. Last evaluated: 2020-10-21. Review status: criteria provided, single submitter. Criteria: ACMG Guidelines, 2015. Collection method: clinical testing. Allele origin: germline.

Mayo Clinic Laboratories, Mayo Clinic
Classification: Uncertain significance. Last evaluated: 2019-11-11. Review status: criteria provided, single submitter. Criteria: ACMG Guidelines, 2015. Collection method: clinical testing. Allele origin: germline. Observed: 1 variant allele.

Genetic Services Laboratory, University of Chicago
Classification: Uncertain significance. Last evaluated: 2016-05-16. Review status: criteria provided, single submitter. Criteria: ACMG Guidelines, 2015. Collection method: clinical testing. Allele origin: germline. Affected: no.

NM_201384.3(PLEC):c.9014G>A (p.Arg3005His)

Gene: PLEC (plectin; minus strand). Cytogenetic location: 8q24.3.
Variant type: single nucleotide variant.
Coding change: c.9014G>A on transcript NM_201384.3 (MANE Select); coding-DNA position 9014, G replaced by A.
Protein change: p.Arg3005His; replaces arginine 3005 with histidine.
Molecular consequence: missense variant.
Genome position (GRCh38, 1-based): chr8:143,920,807, C>T on the plus strand (G>A on the coding strand, the complement: PLEC is on the minus strand). VCF-style: chr8-143920807-C-T. GRCh37 (hg19) VCF-style: chr8-144994975-C-T.
Other names: c.9095G>A, p.Arg3032His (NM_000445.5); c.8972G>A, p.Arg2991His (NM_201378.4); c.8948G>A, p.Arg2983His (NM_201379.3); c.9425G>A, p.Arg3142His (NM_201380.4); c.8918G>A, p.Arg2973His (NM_201381.3); c.9014G>A, p.Arg3005His (NM_201382.4); c.9026G>A, p.Arg3009His (NM_201383.3); short protein forms R2973H, R2983H, R2991H, R3005H, R3009H, R3032H, R3142H.
Identifiers: ClinVar variation 436329 (VCV000436329.22), dbSNP rs369581930, ClinGen allele CA4925107.